The following is an entry in ClinVar:

NM_144599.5(NIPA1):c.*2780G>T

Gene: NIPA1 (NIPA magnesium transporter 1; plus strand). Cytogenetic location: 15q11.2.
Variant type: single nucleotide variant.
Coding change: c.*2780G>T on transcript NM_144599.5 (MANE Select); 2780 bases downstream of the stop codon, G replaced by T.
Molecular consequence: 3 prime UTR variant.
Genome position (GRCh38, 1-based): chr15:22,827,019, G>T. VCF-style: chr15-22827019-G-T. GRCh37 (hg19) VCF-style: chr15-23046049-C-A.
Other names: c.*2780G>T (NM_001142275.1).
Identifiers: ClinVar variation 315371 (VCV000315371.5), dbSNP rs183353690, ClinGen allele CA10635700.

ClinVar aggregate classification (germline): Benign (1 of 4 stars; one submission).

Conditions:
Hereditary spastic paraplegia 6 (SPG6). Also called: SPASTIC PARAPLEGIA 6, AUTOSOMAL DOMINANT. Identifiers: Orphanet 100988, MedGen C1838192, MONDO:0010878, OMIM 600363.

Allele frequency attached by ClinVar (database versions not stated): gnomAD 0.00178 and 0.00189; 1000 Genomes Project 0.00180; TOPMed 0.00198; 1000 Genomes Project 30x 0.00203.

Submission:

Illumina Laboratory Services, Illumina
Classification: Benign for Hereditary spastic paraplegia 6. Last evaluated: 2018-01-12. Review status: criteria provided, single submitter. Criteria: ICSL Variant Classification Criteria 13 December 2019. Collection method: clinical testing. Allele origin: germline.
Comment: This variant was observed in the ICSL laboratory as part of a predisposition screen in an ostensibly healthy population. It had not been previously curated by ICSL or reported in the Human Gene Mutation Database (HGMD: prior to June 1st, 2018), and was therefore a candidate for classification through an automated scoring system. Utilizing variant allele frequency, disease prevalence and penetrance estimates, and inheritance mode, an automated score was calculated to assess if this variant is too frequent to cause the disease. Based on the score and internal cut-off values, a variant classified as benign is not then subjected to further curation. The score for this variant resulted in a classification of benign for this disease.